The following is an entry in ClinVar:

NM_058195.4(CDKN2A):c.8G>A (p.Arg3His)

Gene: CDKN2A (cyclin dependent kinase inhibitor 2A; minus strand). Cytogenetic location: 9p21.3.
Variant type: single nucleotide variant.
Coding change: c.8G>A on transcript NM_058195.4 (MANE Plus Clinical); coding-DNA position 8, G replaced by A.
Protein change: p.Arg3His; replaces arginine 3 with histidine.
Molecular consequence: missense variant. On other transcripts: intron variant (1).
Genome position (GRCh38, 1-based): chr9:21,994,324, C>T on the plus strand (G>A on the coding strand, the complement: CDKN2A is on the minus strand). VCF-style: chr9-21994324-C-T. GRCh37 (hg19) VCF-style: chr9-21994323-C-T.
Other names: c.-4+497G>A (NM_001363763.2); short protein forms R3H.
Identifiers: ClinVar variation 848640 (VCV000848640.9), dbSNP rs1820537912, ClinGen allele CA373087123.
Genomic context (GRCh38, chr9:21,994,324, plus strand): 5'-AAAACCCTCACTCGCGGCGGGCCGCACGCGCGCCGAATCCGGAGGGTCACCAAGAACCTG[C>T]GCACCATGTTCTCGCCGCCTCCAGGGCCGAGCTCGGCAGCCGCTGCGCCGCCCTTTGGCA-3'
Protein context (NP_478102.2, residues 1-13): MV[Arg3His]RFLVTLRIRR

ClinVar aggregate classification (germline): Uncertain significance. Review status: criteria provided, multiple submitters, no conflicts (2 of 4 stars). 2 submissions from 2 submitters: Uncertain significance (2). Last evaluated 2024-05-15.

Conditions:
Familial melanoma. Also called: Hereditary melanoma; Hereditary cutaneous melanoma. Identifiers: Orphanet 618, MedGen C1512419, MONDO:0018961.
Hereditary cancer-predisposing syndrome. Also called: Tumor predisposition; Neoplastic Syndromes, Hereditary; Hereditary Cancer Syndrome; Hereditary neoplastic syndrome. Identifiers: Orphanet 140162, MedGen C0027672, MeSH D009386, MONDO:0015356.

Allele frequency attached by ClinVar (database versions not stated): gnomAD exomes 0.00001.
gnomAD v4.1: 3 of 1,606,364 alleles (0.00019%); highest among the groups gnomAD compares: East Asian, 0.0067%; no homozygotes.

Submissions (2):

Ambry Genetics
Classification: Uncertain significance for Hereditary cancer-predisposing syndrome. Last evaluated: 2024-05-15. Review status: criteria provided, single submitter. Criteria: Ambry Variant Classification Scheme 2023. Collection method: clinical testing. Allele origin: germline.
Comment: The p.R3H variant (also known as c.8G>A), located in coding exon 1 of the CDKN2A (p14ARF) gene, results from a G to A substitution at nucleotide position 8. The arginine at codon 3 is replaced by histidine, an amino acid with highly similar properties. This amino acid position is highly conserved in available vertebrate species. Based on the available evidence, the clinical significance of this variant remains unclear.

Labcorp Genetics (formerly Invitae), Labcorp
Classification: Uncertain significance for Familial melanoma. Last evaluated: 2021-07-13. Review status: criteria provided, single submitter. Criteria: Invitae Variant Classification Sherloc (09022015). Collection method: clinical testing. Allele origin: germline.